The following is an entry in ClinVar:

ClinVar aggregate classification (germline): Likely benign (0 of 4 stars; one submission).

Conditions:
GABRA6-related disorder. Also called: GABRA6-related condition.

Allele frequency attached by ClinVar (database versions not stated): ExAC 0.00005; gnomAD 0.00011; TOPMed 0.00012; ESP Exome Variant Server 0.00015; gnomAD exomes 0.00026.
gnomAD v4.1: 388 of 1,614,114 alleles (0.024%); highest among the groups gnomAD compares: Non-Finnish European, 0.032%; no homozygotes.

Submission:

PreventionGenetics, part of Exact Sciences
Classification: Likely benign for GABRA6-related condition. Last evaluated: 2019-03-05. Review status: no assertion criteria provided. Collection method: clinical testing. Allele origin: germline.
Comment: This variant is classified as likely benign based on ACMG/AMP sequence variant interpretation guidelines (Richards et al. 2015 PMID: 25741868, with internal and published modifications).

NM_000811.3(GABRA6):c.1129C>T (p.Leu377=)

Gene: GABRA6 (gamma-aminobutyric acid type A receptor subunit alpha6; plus strand). Cytogenetic location: 5q34.
Variant type: single nucleotide variant.
Coding change: c.1129C>T on transcript NM_000811.3 (MANE Select); coding-DNA position 1129, C replaced by T.
Protein change: p.Leu377=; no amino-acid change (leucine 377 retained).
Molecular consequence: synonymous variant.
Genome position (GRCh38, 1-based): chr5:161,701,540, C>T. VCF-style: chr5-161701540-C-T. GRCh37 (hg19) VCF-style: chr5-161128546-C-T.
Identifiers: ClinVar variation 3058597 (VCV003058597.2), dbSNP rs374907395, ClinGen allele CA3544122.